The following is an entry in ClinVar:

ClinVar aggregate classification (germline): Uncertain significance (1 of 4 stars; one submission).

Conditions:
Hereditary cancer-predisposing syndrome. Also called: Tumor predisposition; Hereditary neoplastic syndrome; Neoplastic Syndromes, Hereditary; Hereditary Cancer Syndrome. Identifiers: Orphanet 140162, MedGen C0027672, MeSH D009386, MONDO:0015356.

Allele frequency attached by ClinVar (database versions not stated): TOPMed below 0.00001; gnomAD 0.00001.

Submission:

Ambry Genetics
Classification: Uncertain significance for Hereditary cancer-predisposing syndrome. Last evaluated: 2023-04-28. Review status: criteria provided, single submitter. Criteria: Ambry Variant Classification Scheme 2023. Collection method: clinical testing. Allele origin: germline.
Comment: The p.L459F variant (also known as c.1375C>T), located in coding exon 13 of the BAP1 gene, results from a C to T substitution at nucleotide position 1375. The leucine at codon 459 is replaced by phenylalanine, an amino acid with highly similar properties. This amino acid position is highly conserved in available vertebrate species. In addition, this alteration is predicted to be tolerated by in silico analysis. Since supporting evidence is limited at this time, the clinical significance of this alteration remains unclear.

NM_004656.4(BAP1):c.1375C>T (p.Leu459Phe)

Gene: BAP1 (BRCA1 associated deubiquitinase 1; minus strand). Cytogenetic location: 3p21.1.
Variant type: single nucleotide variant.
Coding change: c.1375C>T on transcript NM_004656.4 (MANE Select); coding-DNA position 1375, C replaced by T.
Protein change: p.Leu459Phe; replaces leucine 459 with phenylalanine.
Molecular consequence: missense variant.
Genome position (GRCh38, 1-based): chr3:52,403,770, G>A on the plus strand (C>T on the coding strand, the complement: BAP1 is on the minus strand). VCF-style: chr3-52403770-G-A. GRCh37 (hg19) VCF-style: chr3-52437786-G-A.
Other names: short protein forms L459F.
Identifiers: ClinVar variation 819030 (VCV000819030.5), dbSNP rs1578221032, ClinGen allele CA353101713.